The following is an entry in ClinVar:

ClinVar aggregate classification (germline): Likely benign. Review status: criteria provided, multiple submitters, no conflicts (2 of 4 stars). 3 submissions from 3 submitters: Likely benign (3). Last evaluated 2026-01-21.

Conditions:
Left ventricular noncompaction 8 (LVNC8). Identifiers: Orphanet 154, Orphanet 54260, MedGen C3809288, MONDO:0014152, OMIM 615373.

Allele frequency attached by ClinVar (database versions not stated): gnomAD 0.00001; gnomAD exomes 0.00001; ExAC 0.00003.
gnomAD v4.1: 41 of 1,613,598 alleles (0.0025%); highest among the groups gnomAD compares: South Asian, 0.0066%; no homozygotes.

Submissions (3):

Labcorp Genetics (formerly Invitae), Labcorp
Classification: Likely benign for Left ventricular noncompaction 8. Last evaluated: 2026-01-21. Review status: criteria provided, single submitter. Criteria: Invitae Variant Classification Sherloc (09022015). Collection method: clinical testing. Allele origin: germline.

ARUP Laboratories, Molecular Genetics and Genomics, ARUP Laboratories
Classification: Likely benign. Last evaluated: 2024-03-20. Review status: criteria provided, single submitter. Criteria: ARUP Molecular Germline Variant Investigation Process 2024. Collection method: clinical testing. Allele origin: germline.

GeneDx
Classification: Likely benign. Last evaluated: 2018-03-30. Review status: criteria provided, single submitter. Criteria: GeneDx Variant Classification (06012015). Collection method: clinical testing. Allele origin: germline. Affected: yes.
Comment: This variant is considered likely benign or benign based on one or more of the following criteria: it is a conservative change, it occurs at a poorly conserved position in the protein, it is predicted to be benign by multiple in silico algorithms, and/or has population frequency not consistent with disease.

NM_022114.4(PRDM16):c.1725C>T (p.Pro575=)

Gene: PRDM16 (PR/SET domain 16; plus strand). Cytogenetic location: 1p36.32.
Variant type: single nucleotide variant.
Coding change: c.1725C>T on transcript NM_022114.4 (MANE Select); coding-DNA position 1725, C replaced by T.
Protein change: p.Pro575=; no amino-acid change (proline 575 retained).
Molecular consequence: synonymous variant.
Genome position (GRCh38, 1-based): chr1:3,411,922, C>T. VCF-style: chr1-3411922-C-T. GRCh37 (hg19) VCF-style: chr1-3328486-C-T.
Other names: c.1725C>T, p.Pro575= (NM_199454.3).
Identifiers: ClinVar variation 681390 (VCV000681390.10), dbSNP rs753442334, ClinGen allele CA544267.
Genomic context (GRCh38, chr1:3,411,922, plus strand): 5'-CCTGCCCCTGGTCTCCGCCGTCAGCAACAGCAGCCAGGGCACGACGGCAGCTGCGGGGCC[C>T]GAGGAGAAGTTCGAGAGCCGCCTGGAGGACTCCTGTGTGGAGAAGCTGAAGACCAGGAGC-3'
Protein context (NP_071397.3, residues 565-585): SSQGTTAAAG[Pro575=]EEKFESRLED